The following is an entry in ClinVar:

ClinVar aggregate classification (germline): Uncertain significance (0 of 4 stars; one submission).

Conditions:
SEMA3D-related disorder. Also called: SEMA3D-related condition.

gnomAD v4.1: 4 of 1,610,596 alleles (0.00025%); highest among the groups gnomAD compares: African/African-American, 0.004%; no homozygotes.

Submission:

PreventionGenetics, part of Exact Sciences
Classification: Uncertain significance for SEMA3D-related condition. Last evaluated: 2024-04-30. Review status: no assertion criteria provided. Collection method: clinical testing. Allele origin: germline.
Comment: The SEMA3D c.76A>G variant is predicted to result in the amino acid substitution p.Ser26Gly. To our knowledge, this variant has not been reported in the literature. This variant is reported in 0.011% of alleles in individuals of African descent in gnomAD. At this time, the clinical significance of this variant is uncertain due to the absence of conclusive functional and genetic evidence.

NM_001384900.1(SEMA3D):c.76A>G (p.Ser26Gly)

Gene: SEMA3D (semaphorin 3D; minus strand). Cytogenetic location: 7q21.11.
Variant type: single nucleotide variant.
Coding change: c.76A>G on transcript NM_001384900.1 (MANE Select); coding-DNA position 76, A replaced by G.
Protein change: p.Ser26Gly; replaces serine 26 with glycine.
Molecular consequence: missense variant.
Genome position (GRCh38, 1-based): chr7:85,121,816, T>C on the plus strand (A>G on the coding strand, the complement: SEMA3D is on the minus strand). VCF-style: chr7-85121816-T-C. GRCh37 (hg19) VCF-style: chr7-84751132-T-C.
Other names: c.76A>G, p.Ser26Gly (NM_001384901.1, NM_001384902.1, NM_001384903.1 and 1 more transcripts); short protein forms S26G.
Identifiers: ClinVar variation 3355583 (VCV003355583.1).